The following is an entry in ClinVar:

ClinVar aggregate classification (germline): Uncertain significance (1 of 4 stars; one submission).

Conditions:
Renal coloboma syndrome (PAPRS). Also called: COLOBOMA OF OPTIC NERVE WITH RENAL DISEASE; PAPILLORENAL SYNDROME; PAPILLORENAL SYNDROME WITH MILD OCULAR ABNORMALITIES; OPTIC COLOBOMA, VESICOURETERAL REFLUX, AND RENAL ANOMALIES; OPTIC NERVE COLOBOMA WITH RENAL DISEASE; RENAL-COLOBOMA SYNDROME WITH MACULAR ABNORMALITIES. Identifiers: Orphanet 1475, MedGen C1852759, MONDO:0007352, OMIM 120330.
Focal segmental glomerulosclerosis 7 (FSGS7). Identifiers: Orphanet 656, MedGen C4014925, MONDO:0014451, OMIM 616002.

Allele frequency attached by ClinVar (database versions not stated): gnomAD exomes below 0.00001.
gnomAD v4.1: 2 of 1,612,354 alleles (0.00012%); highest among the groups gnomAD compares: Non-Finnish European, 0.00017%; no homozygotes.

Submission:

Labcorp Genetics (formerly Invitae), Labcorp
Classification: Uncertain significance for Renal coloboma syndrome; Focal segmental glomerulosclerosis 7. Last evaluated: 2021-11-23. Review status: criteria provided, single submitter. Criteria: Invitae Variant Classification Sherloc (09022015). Collection method: clinical testing. Allele origin: germline.
Comment: In summary, the available evidence is currently insufficient to determine the role of this variant in disease. Therefore, it has been classified as a Variant of Uncertain Significance. Algorithms developed to predict the effect of sequence changes on RNA splicing suggest that this variant is not likely to affect RNA splicing. This variant has not been reported in the literature in individuals affected with PAX2-related conditions. This variant is not present in population databases (gnomAD no frequency). This sequence change affects codon 55 of the PAX2 mRNA. It is a 'silent' change, meaning that it does not change the encoded amino acid sequence of the PAX2 protein.

NM_000278.5(PAX2):c.165C>T (p.Ser55=)

Gene: PAX2 (paired box 2; plus strand). Cytogenetic location: 10q24.31.
Variant type: single nucleotide variant.
Coding change: c.165C>T on transcript NM_000278.5 (MANE Select); coding-DNA position 165, C replaced by T.
Protein change: p.Ser55=; no amino-acid change (serine 55 retained).
Molecular consequence: synonymous variant.
Genome position (GRCh38, 1-based): chr10:100,749,867, C>T. VCF-style: chr10-100749867-C-T. GRCh37 (hg19) VCF-style: chr10-102509624-C-T.
Other names: c.258C>T, p.Ser86= (NM_001304569.2); c.165C>T, p.Ser55= (NM_003987.5, NM_003988.5, NM_003989.5 and 1 more transcripts).
Identifiers: ClinVar variation 1446053 (VCV001446053.6), dbSNP rs1845370334, ClinGen allele CA471216035.